The following is an entry in ClinVar:

NM_000135.4(FANCA):c.583G>A (p.Glu195Lys)

Gene: FANCA (FA complementation group A; minus strand). Cytogenetic location: 16q24.3.
Variant type: single nucleotide variant.
Coding change: c.583G>A on transcript NM_000135.4 (MANE Select); coding-DNA position 583, G replaced by A.
Protein change: p.Glu195Lys; replaces glutamic acid 195 with lysine.
Molecular consequence: missense variant.
Genome position (GRCh38, 1-based): chr16:89,808,307, C>T on the plus strand (G>A on the coding strand, the complement: FANCA is on the minus strand). VCF-style: chr16-89808307-C-T. GRCh37 (hg19) VCF-style: chr16-89874715-C-T.
Other names: c.583G>A, p.Glu195Lys (NM_001018112.3, NM_001286167.3); c.487G>A, p.Glu163Lys (NM_001351830.2); short protein forms E163K, E195K.
Identifiers: ClinVar variation 1505794 (VCV001505794.8), dbSNP rs2143656849, ClinGen allele CA397479167.

ClinVar aggregate classification (germline): Uncertain significance (1 of 4 stars; one submission).

Conditions:
Fanconi anemia (FA). Also called: Fanconi's anemia. Identifiers: Orphanet 84, MedGen C0015625, MeSH D005199, MONDO:0019391.

Submission:

Labcorp Genetics (formerly Invitae), Labcorp
Classification: Uncertain significance for Fanconi anemia. Last evaluated: 2021-01-08. Review status: criteria provided, single submitter. Criteria: Invitae Variant Classification Sherloc (09022015). Collection method: clinical testing. Allele origin: germline.
Comment: In summary, the available evidence is currently insufficient to determine the role of this variant in disease. Therefore, it has been classified as a Variant of Uncertain Significance. Advanced modeling of protein sequence and biophysical properties (such as structural, functional, and spatial information, amino acid conservation, physicochemical variation, residue mobility, and thermodynamic stability) performed at Invitae indicates that this missense variant is not expected to disrupt FANCA protein function. This variant has not been reported in the literature in individuals with FANCA-related conditions. This variant is not present in population databases (ExAC no frequency). This sequence change replaces glutamic acid with lysine at codon 195 of the FANCA protein (p.Glu195Lys). The glutamic acid residue is weakly conserved and there is a small physicochemical difference between glutamic acid and lysine.